The following is an entry in ClinVar:

NM_005751.5(AKAP9):c.11384A>G (p.Asn3795Ser)

Gene: AKAP9 (A-kinase anchoring protein 9; plus strand). Cytogenetic location: 7q21.2.
Variant type: single nucleotide variant.
Coding change: c.11384A>G on transcript NM_005751.5 (MANE Select); coding-DNA position 11384, A replaced by G.
Protein change: p.Asn3795Ser; replaces asparagine 3795 with serine.
Molecular consequence: missense variant.
Genome position (GRCh38, 1-based): chr7:92,105,731, A>G. VCF-style: chr7-92105731-A-G. GRCh37 (hg19) VCF-style: chr7-91735045-A-G.
Other names: c.6029A>G, p.Asn2010Ser (NM_001379277.1); c.11360A>G, p.Asn3787Ser (NM_147185.3); short protein forms N2010S, N3795S, N3787S.
Identifiers: ClinVar variation 2165580 (VCV002165580.4), dbSNP rs759183266, ClinGen allele CA4338184.

ClinVar aggregate classification (germline): Uncertain significance (1 of 4 stars; one submission).

Conditions:
Long QT syndrome (LQTS). Identifiers: MedGen C0023976, MeSH D008133, MONDO:0002442. Disease mechanism: loss of function. Inheritance: Various modes of inheritance.

Allele frequency attached by ClinVar (database versions not stated): gnomAD exomes 0.00001; ExAC 0.00002.
gnomAD v4.1: 16 of 1,614,032 alleles (0.00099%); highest among the groups gnomAD compares: African/African-American, 0.0027%; no homozygotes.

Submission:

Labcorp Genetics (formerly Invitae), Labcorp
Classification: Uncertain significance for Long QT syndrome. Last evaluated: 2024-02-18. Review status: criteria provided, single submitter. Criteria: Invitae Variant Classification Sherloc (09022015). Collection method: clinical testing. Allele origin: germline.
Comment: This sequence change replaces asparagine, which is neutral and polar, with serine, which is neutral and polar, at codon 3795 of the AKAP9 protein (p.Asn3795Ser). This variant is present in population databases (rs759183266, gnomAD 0.003%). This variant has not been reported in the literature in individuals affected with AKAP9-related conditions. ClinVar contains an entry for this variant (Variation ID: 2165580). An algorithm developed to predict the effect of missense changes on protein structure and function (PolyPhen-2) suggests that this variant is likely to be disruptive. In summary, the available evidence is currently insufficient to determine the role of this variant in disease. Therefore, it has been classified as a Variant of Uncertain Significance.